The following is an entry in ClinVar:

NM_001003841.3(SLC6A19):c.1017-13A>G

Gene: SLC6A19 (solute carrier family 6 member 19; plus strand). Cytogenetic location: 5p15.33.
Variant type: single nucleotide variant.
Coding change: c.1017-13A>G on transcript NM_001003841.3 (MANE Select); 13 bases into the intron before coding-DNA position 1017, A replaced by G.
Molecular consequence: intron variant.
Genome position (GRCh38, 1-based): chr5:1,216,776, A>G. VCF-style: chr5-1216776-A-G. GRCh37 (hg19) VCF-style: chr5-1216891-A-G.
Identifiers: ClinVar variation 1318507 (VCV001318507.9), dbSNP rs202017164, ClinGen allele CA3183010.

ClinVar aggregate classification (germline): Conflicting classifications of pathogenicity. Review status: criteria provided, conflicting classifications (1 of 4 stars). 2 submissions from 2 submitters: Uncertain significance (1); Likely benign (1). Last evaluated 2025-01-28.

Allele frequency attached by ClinVar (database versions not stated): ExAC 0.00003; gnomAD 0.00003; gnomAD exomes 0.00003 and 0.00005; TOPMed 0.00003; 1000 Genomes Project 30x 0.00016; 1000 Genomes Project 0.00020.
gnomAD v4.1: 54 of 1,613,758 alleles (0.0033%); highest among the groups gnomAD compares: Non-Finnish European, 0.0039%; no homozygotes.

Submissions (2):

Labcorp Genetics (formerly Invitae), Labcorp
Classification: Likely benign. Last evaluated: 2025-01-28. Review status: criteria provided, single submitter. Criteria: Invitae Variant Classification Sherloc (09022015). Collection method: clinical testing. Allele origin: germline.

GeneDx
Classification: Uncertain significance. Last evaluated: 2019-06-25. Review status: criteria provided, single submitter. Criteria: GeneDx Variant Classification Process June 2021. Collection method: clinical testing. Allele origin: germline. Affected: yes.
Comment: In-silico analysis, which includes splice predictors and evolutionary conservation, is inconclusive as to whether the variant alters gene splicing. In the absence of RNA/functional studies, the actual effect of this sequence change is unknown.; Has not been previously published as pathogenic or benign to our knowledge